The following is an entry in ClinVar:

ClinVar aggregate classification (germline): Uncertain significance. Review status: criteria provided, multiple submitters, no conflicts (2 of 4 stars). 3 submissions from 3 submitters: Uncertain significance (3). Last evaluated 2025-01-31.

Conditions:
Hereditary cancer-predisposing syndrome. Also called: Neoplastic Syndromes, Hereditary; Tumor predisposition; Hereditary neoplastic syndrome; Hereditary Cancer Syndrome. Identifiers: Orphanet 140162, MedGen C0027672, MeSH D009386, MONDO:0015356.
Neurofibromatosis, type 2 (SWNV). Also called: NF2-Related Schwannomatosis; BILATERAL ACOUSTIC NEUROFIBROMATOSIS; SCHWANNOMATOSIS, VESTIBULAR. Identifiers: Orphanet 637, MedGen C0027832, MONDO:0007039, OMIM 101000. Disease mechanism: loss of function.

gnomAD v4.1: 5 of 1,613,892 alleles (0.00031%); highest among the groups gnomAD compares: South Asian, 0.0055%; no homozygotes.

Submissions (3):

Ambry Genetics
Classification: Uncertain significance for Hereditary cancer-predisposing syndrome. Last evaluated: 2025-01-31. Review status: criteria provided, single submitter. Criteria: Ambry Variant Classification Scheme 2023. Collection method: clinical testing. Allele origin: germline.
Comment: The p.P483L variant (also known as c.1448C>T), located in coding exon 14 of the NF2 gene, results from a C to T substitution at nucleotide position 1448. The proline at codon 483 is replaced by leucine, an amino acid with similar properties. This amino acid position is conserved. In addition, the in silico prediction for this alteration is inconclusive. Based on the available evidence, the clinical significance of this variant remains unclear.

Labcorp Genetics (formerly Invitae), Labcorp
Classification: Uncertain significance for Neurofibromatosis, type 2. Last evaluated: 2024-08-01. Review status: criteria provided, single submitter. Criteria: Invitae Variant Classification Sherloc (09022015). Collection method: clinical testing. Allele origin: germline.
Comment: This sequence change replaces proline, which is neutral and non-polar, with leucine, which is neutral and non-polar, at codon 483 of the NF2 protein (p.Pro483Leu). This variant is present in population databases (rs771692777, gnomAD 0.006%). This variant has not been reported in the literature in individuals affected with NF2-related conditions. An algorithm developed to predict the effect of missense changes on protein structure and function (PolyPhen-2) suggests that this variant is likely to be tolerated. In summary, the available evidence is currently insufficient to determine the role of this variant in disease. Therefore, it has been classified as a Variant of Uncertain Significance.

Blueprint Genetics
Classification: Uncertain significance. Last evaluated: 2022-02-01. Review status: criteria provided, single submitter. Criteria: ACMG Guidelines, 2015. Collection method: clinical testing. Allele origin: germline.

NM_000268.4(NF2):c.1448C>T (p.Pro483Leu)

Gene: NF2 (NF2, moesin-ezrin-radixin like (MERLIN) tumor suppressor; plus strand). Cytogenetic location: 22q12.2.
Variant type: single nucleotide variant.
Coding change: c.1448C>T on transcript NM_000268.4 (MANE Select); coding-DNA position 1448, C replaced by T.
Protein change: p.Pro483Leu; replaces proline 483 with leucine.
Molecular consequence: missense variant. On other transcripts: non-coding transcript variant (1), intron variant (1).
Genome position (GRCh38, 1-based): chr22:29,678,197, C>T. VCF-style: chr22-29678197-C-T. GRCh37 (hg19) VCF-style: chr22-30074186-C-T.
Other names: c.1334C>T, p.Pro445Leu (NM_001407053.1, NM_001407056.1); c.1325C>T, p.Pro442Leu (NM_001407054.1, NM_001407058.1, NM_181829.3); c.1322C>T, p.Pro441Leu (NM_001407055.1, NM_181828.3); c.1313C>T, p.Pro438Leu (NM_001407057.1, NM_001407059.1); c.1448C>T, p.Pro483Leu (NM_001407060.1, NM_001407066.1, NM_016418.5 and 2 more transcripts); c.1190C>T, p.Pro397Leu (NM_001407062.1); c.1199C>T, p.Pro400Leu (NM_001407063.1, NM_001407064.1, NM_181830.3 and 1 more transcripts); c.914C>T, p.Pro305Leu (NM_001407065.1); and 2 more; short protein forms P305L, P397L, P400L, P406L, P438L, P441L, P442L, P445L.
Identifiers: ClinVar variation 3622956 (VCV003622956.4).